The following is an entry in ClinVar:

NM_020549.5(CHAT):c.1248C>T (p.Asn416=)

Gene: CHAT (choline O-acetyltransferase; plus strand). Cytogenetic location: 10q11.23.
Variant type: single nucleotide variant.
Coding change: c.1248C>T on transcript NM_020549.5 (MANE Select); coding-DNA position 1248, C replaced by T.
Protein change: p.Asn416=; no amino-acid change (asparagine 416 retained).
Molecular consequence: synonymous variant.
Genome position (GRCh38, 1-based): chr10:49,646,641, C>T. VCF-style: chr10-49646641-C-T. GRCh37 (hg19) VCF-style: chr10-50854687-C-T.
Other names: c.894C>T, p.Asn298= (NM_001142929.2, NM_001142934.2, NM_020984.4 and 2 more transcripts); c.1002C>T, p.Asn334= (NM_001142933.2).
Identifiers: ClinVar variation 198893 (VCV000198893.58), dbSNP rs116071049, ClinGen allele CA247786.

ClinVar aggregate classification (germline): Conflicting classifications of pathogenicity. Review status: criteria provided, conflicting classifications (1 of 4 stars). 6 submissions from 6 submitters: Uncertain significance (1); Likely benign (4). 1 of the submissions does not count toward it. Last evaluated 2026-08-01.

Conditions:
Familial infantile myasthenia (CMS6). Also called: Congenital myasthenic syndrome type 6; MYASTHENIC SYNDROME, PRESYNAPTIC, CONGENITAL, ASSOCIATED WITH EPISODIC APNEA; MYASTHENIC SYNDROME, CONGENITAL, 6, PRESYNAPTIC. Identifiers: Orphanet 590, MedGen C0393929, MONDO:0009689, OMIM 254210.

Allele frequency attached by ClinVar (database versions not stated): 1000 Genomes Project 30x 0.00109; 1000 Genomes Project 0.00120; ExAC 0.00143; gnomAD exomes 0.00150 and 0.00272; gnomAD 0.00185 and 0.00187; TOPMed 0.00235; ESP Exome Variant Server 0.00261.
gnomAD v4.1: 4,331 of 1,614,068 alleles (0.27%); highest among the groups gnomAD compares: Non-Finnish European, 0.32%; 11 homozygotes.

Submissions (6):

CeGaT Center for Human Genetics Tuebingen
Classification: Likely benign. Last evaluated: 2026-08-01. Review status: criteria provided, single submitter. Criteria: CeGaT Center For Human Genetics Tuebingen Variant Classification Criteria Version 2. Collection method: clinical testing. Allele origin: germline. Affected: yes. Observed: 7 variant alleles.
Comment: CHAT: BP4, BP7

Labcorp Genetics (formerly Invitae), Labcorp
Classification: Likely benign for Familial infantile myasthenia. Last evaluated: 2026-02-01. Review status: criteria provided, single submitter. Criteria: Invitae Variant Classification Sherloc (09022015). Collection method: clinical testing. Allele origin: germline.

Blueprint Genetics
Classification: Likely benign. Last evaluated: 2024-11-14. Review status: criteria provided, single submitter. Criteria: ACMG Guidelines, 2015. Collection method: clinical testing. Allele origin: germline.

GeneDx
Classification: Likely benign. Last evaluated: 2021-01-12. Review status: criteria provided, single submitter. Criteria: GeneDx Variant Classification Process June 2021. Collection method: clinical testing. Allele origin: germline. Affected: yes.

Eurofins Ntd Llc (ga)
Classification: Uncertain significance. Last evaluated: 2014-12-08. Review status: criteria provided, single submitter. Criteria: EGL Classification Definitions 2015. Collection method: clinical testing. Allele origin: germline. Observed: 1 variant allele, 1 heterozygote.

Mayo Clinic Laboratories, Mayo Clinic
Classification: Likely benign. Last evaluated: 2016-03-08. Review status: no assertion criteria provided. Collection method: clinical testing. Allele origin: unknown. Not counted in ClinVar's aggregate classification.